The following is an entry in ClinVar:

NM_000925.4(PDHB):c.660T>G (p.Asp220Glu)

Gene: PDHB (pyruvate dehydrogenase E1 subunit beta; minus strand). Cytogenetic location: 3p14.3.
Variant type: single nucleotide variant.
Coding change: c.660T>G on transcript NM_000925.4 (MANE Select); coding-DNA position 660, T replaced by G.
Protein change: p.Asp220Glu; replaces aspartic acid 220 with glutamic acid.
Molecular consequence: missense variant. On other transcripts: non-coding transcript variant (1).
Genome position (GRCh38, 1-based): chr3:58,430,168, A>C on the plus strand (T>G on the coding strand, the complement: PDHB is on the minus strand). VCF-style: chr3-58430168-A-C. GRCh37 (hg19) VCF-style: chr3-58415895-A-C.
Other names: c.606T>G, p.Asp202Glu (NM_001173468.2, NM_001315536.2); short protein forms D202E, D220E.
Identifiers: ClinVar variation 2150185 (VCV002150185.1), dbSNP rs1409709567, ClinGen allele CA353360322.
Genomic context (GRCh38, chr3:58,430,168, plus strand): 5'-ATATATCTTAGTTTTCTTACCTTGCCTTTCTATTTTGGCTTTTCCAATAGGAATCAGAAA[A>C]TCTTTTGACTGAGCTTCCGGAGGAAATTCAAAAGGAACCCCATACATCAATTCATTCTCT-3'
Protein context (NP_000916.2, residues 210-230): FEFPPEAQSK[Asp220Glu]FLIPIGKAKI

ClinVar aggregate classification (germline): Uncertain significance (1 of 4 stars; one submission).

Conditions:
Pyruvate dehydrogenase E1-beta deficiency (PDHBD). Identifiers: Orphanet 255138, Orphanet 765, MedGen C3279841, MONDO:0013580, OMIM 614111.

Allele frequency attached by ClinVar (database versions not stated): gnomAD exomes below 0.00001.

Submission:

Labcorp Genetics (formerly Invitae), Labcorp
Classification: Uncertain significance for Pyruvate dehydrogenase E1-beta deficiency. Last evaluated: 2022-03-08. Review status: criteria provided, single submitter. Criteria: Invitae Variant Classification Sherloc (09022015). Collection method: clinical testing. Allele origin: germline.
Comment: This sequence change replaces aspartic acid, which is acidic and polar, with glutamic acid, which is acidic and polar, at codon 220 of the PDHB protein (p.Asp220Glu). This variant is present in population databases (no rsID available, gnomAD 0.003%). This variant has not been reported in the literature in individuals affected with PDHB-related conditions. Algorithms developed to predict the effect of missense changes on protein structure and function (SIFT, PolyPhen-2, Align-GVGD) all suggest that this variant is likely to be tolerated. In summary, the available evidence is currently insufficient to determine the role of this variant in disease. Therefore, it has been classified as a Variant of Uncertain Significance.